The following is an entry in ClinVar:

ClinVar aggregate classification (germline): Uncertain significance (1 of 4 stars; one submission).

Conditions:
Coffin-Siris syndrome 1 (CSS1). Also called: ARID1B-Related Coffin-Siris Syndrome; Mental retardation, autosomal dominant 12. Identifiers: Orphanet 1465, MedGen C3281201, MONDO:0007617, OMIM 135900. Disease mechanism: gain of function.

Submission:

Institute of Human Genetics, University of Leipzig Medical Center
Classification: Uncertain significance for Coffin-Siris syndrome 1. Last evaluated: 2020-04-27. Review status: criteria provided, single submitter. Criteria: ACMG Guidelines, 2015. Collection method: clinical testing. Allele origin: maternal. Inheritance: Autosomal dominant inheritance. Affected: yes.
Comment: Criteria applied: PM2_SUP, BS2; variant that affects an exon that is possibly not relevant.

NM_001374828.1(ARID1B):c.1987-29742G>A

Gene: ARID1B (AT-rich interaction domain 1B; plus strand). Cytogenetic location: 6q25.3.
Variant type: single nucleotide variant.
Coding change: c.1987-29742G>A on transcript NM_001374828.1 (MANE Select); 29742 bases into the intron before coding-DNA position 1987, G replaced by A.
Molecular consequence: intron variant. On other transcripts: nonsense (2).
Genome position (GRCh38, 1-based): chr6:156,871,634, G>A. VCF-style: chr6-156871634-G-A. GRCh37 (hg19) VCF-style: chr6-157192768-G-A.
Other names: c.1758G>A (NM_020732.3); c.2007G>A, p.Trp669Ter (NM_001371656.1, NM_001374820.1); c.1987-29742G>A (NM_017519.3); short protein forms W669*.
Identifiers: ClinVar variation 982796 (VCV000982796.2), dbSNP rs1554261846, ClinGen allele CA366380276.